The following is an entry in ClinVar:

ClinVar aggregate classification (germline): Uncertain significance (1 of 4 stars; one submission).

Conditions:
Noonan syndrome 9 (NS9). Identifiers: Orphanet 648, MedGen C4225282, MONDO:0014691, OMIM 616559.

Submission:

Labcorp Genetics (formerly Invitae), Labcorp
Classification: Uncertain significance for Noonan syndrome 9. Last evaluated: 2021-05-05. Review status: criteria provided, single submitter. Criteria: Invitae Variant Classification Sherloc (09022015). Collection method: clinical testing. Allele origin: germline.
Comment: This variant has not been reported in the literature in individuals with SOS2-related conditions. Advanced modeling of protein sequence and biophysical properties (such as structural, functional, and spatial information, amino acid conservation, physicochemical variation, residue mobility, and thermodynamic stability) performed at Invitae indicates that this missense variant is not expected to disrupt SOS2 protein function. In summary, the available evidence is currently insufficient to determine the role of this variant in disease. Therefore, it has been classified as a Variant of Uncertain Significance. This variant is not present in population databases (ExAC no frequency). This sequence change replaces asparagine with lysine at codon 991 of the SOS2 protein (p.Asn991Lys). The asparagine residue is highly conserved and there is a moderate physicochemical difference between asparagine and lysine.

NM_006939.4(SOS2):c.2973C>G (p.Asn991Lys)

Gene: SOS2 (SOS Ras/Rho guanine nucleotide exchange factor 2; minus strand). Cytogenetic location: 14q21.3.
Variant type: single nucleotide variant.
Coding change: c.2973C>G on transcript NM_006939.4 (MANE Select); coding-DNA position 2973, C replaced by G.
Protein change: p.Asn991Lys; replaces asparagine 991 with lysine.
Molecular consequence: missense variant.
Genome position (GRCh38, 1-based): chr14:50,134,225, G>C on the plus strand (C>G on the coding strand, the complement: SOS2 is on the minus strand). VCF-style: chr14-50134225-G-C. GRCh37 (hg19) VCF-style: chr14-50600943-G-C.
Other names: short protein forms N991K.
Identifiers: ClinVar variation 1426166 (VCV001426166.8), dbSNP rs1883999905, ClinGen allele CA389641920.